The following is an entry in ClinVar:

ClinVar aggregate classification (germline): Uncertain significance (1 of 4 stars; one submission).

Submission:

GeneDx
Classification: Uncertain significance. Last evaluated: 2024-08-08. Review status: criteria provided, single submitter. Criteria: GeneDx Variant Classification Process June 2021. Collection method: clinical testing. Allele origin: germline.
Comment: Not observed at significant frequency in large population cohorts (gnomAD); In silico analysis supports that this missense variant has a deleterious effect on protein structure/function; Has not been previously published as pathogenic or benign to our knowledge

NM_021072.4(HCN1):c.1570A>T (p.Thr524Ser)

Gene: HCN1 (hyperpolarization activated cyclic nucleotide gated potassium channel 1; minus strand). Cytogenetic location: 5p12.
Variant type: single nucleotide variant.
Coding change: c.1570A>T on transcript NM_021072.4 (MANE Select); coding-DNA position 1570, A replaced by T.
Protein change: p.Thr524Ser; replaces threonine 524 with serine.
Molecular consequence: missense variant.
Genome position (GRCh38, 1-based): chr5:45,303,647, T>A on the plus strand (A>T on the coding strand, the complement: HCN1 is on the minus strand). VCF-style: chr5-45303647-T-A. GRCh37 (hg19) VCF-style: chr5-45303749-T-A.
Other names: short protein forms T524S.
Identifiers: ClinVar variation 2412825 (VCV002412825.4), dbSNP rs1561096281, ClinGen allele CA359702426.